The following is an entry in ClinVar:

ClinVar aggregate classification (germline): Uncertain significance (1 of 4 stars; one submission).

Conditions:
Early-infantile DEE. Also called: Ohtahara syndrome; Early infantile epileptic encephalopathy; Early infantile epileptic encephalopathy with suppression bursts. Identifiers: Orphanet 1934, MedGen C0393706, MONDO:0800491.

Submission:

Labcorp Genetics (formerly Invitae), Labcorp
Classification: Uncertain significance for Early-infantile DEE. Last evaluated: 2023-10-28. Review status: criteria provided, single submitter. Criteria: Invitae Variant Classification Sherloc (09022015). Collection method: clinical testing. Allele origin: germline.
Comment: This sequence change replaces leucine, which is neutral and non-polar, with phenylalanine, which is neutral and non-polar, at codon 277 of the SPTAN1 protein (p.Leu277Phe). This variant is not present in population databases (gnomAD no frequency). This variant has not been reported in the literature in individuals affected with SPTAN1-related conditions. Advanced modeling of protein sequence and biophysical properties (such as structural, functional, and spatial information, amino acid conservation, physicochemical variation, residue mobility, and thermodynamic stability) has been performed at Invitae for this missense variant, however the output from this modeling did not meet the statistical confidence thresholds required to predict the impact of this variant on SPTAN1 protein function. In summary, the available evidence is currently insufficient to determine the role of this variant in disease. Therefore, it has been classified as a Variant of Uncertain Significance.

NM_001130438.3(SPTAN1):c.831A>T (p.Leu277Phe)

Gene: SPTAN1 (spectrin alpha, non-erythrocytic 1; plus strand). Cytogenetic location: 9q34.11.
Variant type: single nucleotide variant.
Coding change: c.831A>T on transcript NM_001130438.3 (MANE Select); coding-DNA position 831, A replaced by T.
Protein change: p.Leu277Phe; replaces leucine 277 with phenylalanine.
Molecular consequence: missense variant.
Genome position (GRCh38, 1-based): chr9:128,577,174, A>T. VCF-style: chr9-128577174-A-T. GRCh37 (hg19) VCF-style: chr9-131339453-A-T.
Other names: c.831A>T, p.Leu277Phe (NM_001195532.2, NM_001363759.2, NM_001363765.2 and 5 more transcripts); c.867A>T, p.Leu289Phe (NM_001375312.2, NM_001375318.1); short protein forms L277F, L289F.
Identifiers: ClinVar variation 2772195 (VCV002772195.3), dbSNP rs2541049732, ClinGen allele CA375048430.